The following is an entry in ClinVar:

NM_001374828.1(ARID1B):c.1382T>G (p.Met461Arg)

Gene: ARID1B (AT-rich interaction domain 1B; plus strand). Cytogenetic location: 6q25.3.
Variant type: single nucleotide variant.
Coding change: c.1382T>G on transcript NM_001374828.1 (MANE Select); coding-DNA position 1382, T replaced by G.
Protein change: p.Met461Arg; replaces methionine 461 with arginine.
Molecular consequence: missense variant.
Genome position (GRCh38, 1-based): chr6:156,779,062, T>G. VCF-style: chr6-156779062-T-G. GRCh37 (hg19) VCF-style: chr6-157100196-T-G.
Other names: c.1382T>G, p.Met461Arg (NM_001371656.1, NM_001374820.1, NM_001438482.1 and 9 more transcripts); short protein forms M461R.
Identifiers: ClinVar variation 4752086 (VCV004752086.1).

ClinVar aggregate classification (germline): Uncertain significance (1 of 4 stars; one submission).

gnomAD v4.1: 4 of 1,218,550 alleles (0.00033%); highest among the groups gnomAD compares: African/African-American, 0.0066%; no homozygotes.

Submission:

Labcorp Genetics (formerly Invitae), Labcorp
Classification: Uncertain significance. Last evaluated: 2025-10-13. Review status: criteria provided, single submitter. Criteria: Invitae Variant Classification Sherloc (09022015). Collection method: clinical testing. Allele origin: germline.
Comment: This sequence change replaces methionine, which is neutral and non-polar, with arginine, which is basic and polar, at codon 378 of the ARID1B protein (p.Met378Arg). The frequency data for this variant in the population databases is considered unreliable, as metrics indicate insufficient coverage at this position in the gnomAD database. This variant has not been reported in the literature in individuals affected with ARID1B-related conditions. Invitae Evidence Modeling of protein sequence and biophysical properties (such as structural, functional, and spatial information, amino acid conservation, physicochemical variation, residue mobility, and thermodynamic stability) indicates that this missense variant is not expected to disrupt ARID1B protein function with a negative predictive value of 95%. In summary, the available evidence is currently insufficient to determine the role of this variant in disease. Therefore, it has been classified as a Variant of Uncertain Significance.